The following is an entry in ClinVar:

NM_001040142.2(SCN2A):c.4458A>G (p.Gln1486=)

Gene: SCN2A (sodium voltage-gated channel alpha subunit 2; plus strand). Cytogenetic location: 2q24.3.
Variant type: single nucleotide variant.
Coding change: c.4458A>G on transcript NM_001040142.2 (MANE Select); coding-DNA position 4458, A replaced by G.
Protein change: p.Gln1486=; no amino-acid change (glutamine 1486 retained).
Molecular consequence: synonymous variant.
Genome position (GRCh38, 1-based): chr2:165,381,104, A>G. VCF-style: chr2-165381104-A-G. GRCh37 (hg19) VCF-style: chr2-166237614-A-G.
Other names: c.4458A>G, p.Gln1486= (NM_001040143.2, NM_001371246.1, NM_001371247.1 and 1 more transcripts).
Identifiers: ClinVar variation 4853499 (VCV004853499.1).

ClinVar aggregate classification (germline): Uncertain significance (1 of 4 stars; one submission).

Submission:

Women's Health and Genetics/Laboratory Corporation of America, LabCorp
Classification: Uncertain significance. Last evaluated: 2026-05-07. Review status: criteria provided, single submitter. Criteria: LabCorp Variant Classification Summary - May 2015. Collection method: clinical testing. Allele origin: germline.
Comment: Variant summary: SCN2A c.4458A>G alters a conserved nucleotide resulting in a synonymous change. Several computational tools predict a significant impact on normal splicing: Three predict the variant creates a 5' donor site. However, these predictions have yet to be confirmed by functional studies. The variant was absent in 222128 control chromosomes. The available data on variant occurrences in the general population are insufficient to allow any conclusion about variant significance. To our knowledge, no occurrence of c.4458A>G in individuals affected with SCN2A-related conditions and no experimental evidence demonstrating its impact on protein function have been reported. No submitters have cited clinical-significance assessments for this variant to ClinVar. Based on the evidence outlined above, the variant was classified as uncertain significance.